The following is an entry in ClinVar:

ClinVar aggregate classification (germline): Uncertain significance (1 of 4 stars; one submission).

Conditions:
Seizures, benign familial infantile, 3 (BFIS3). Also called: Familial neonatal seizures; CONVULSIONS, BENIGN FAMILIAL INFANTILE, 3. Identifiers: Orphanet 140927, Orphanet 306, MedGen C1843140, MONDO:0011904, OMIM 607745.
Developmental and epileptic encephalopathy, 11 (DEE11). Also called: Early infantile epileptic encephalopathy 11. Identifiers: Orphanet 1934, MedGen C3150987, MONDO:0013388, OMIM 613721.

Submission:

Labcorp Genetics (formerly Invitae), Labcorp
Classification: Uncertain significance for Seizures, benign familial infantile, 3; Developmental and epileptic encephalopathy, 11. Last evaluated: 2025-12-30. Review status: criteria provided, single submitter. Criteria: Invitae Variant Classification Sherloc (09022015). Collection method: clinical testing. Allele origin: germline.
Comment: This sequence change falls in intron 8 of the SCN2A gene. It does not directly change the encoded amino acid sequence of the SCN2A protein. It affects a nucleotide within the consensus splice site. This variant is not present in population databases (gnomAD no frequency). This variant has not been reported in the literature in individuals affected with SCN2A-related conditions. ClinVar contains an entry for this variant (Variation ID: 1419214). Variants that disrupt the consensus splice site are a relatively common cause of aberrant splicing (PMID: 17576681, 9536098). Algorithms developed to predict the effect of sequence changes on RNA splicing suggest that this variant may disrupt the consensus splice site. In summary, the available evidence is currently insufficient to determine the role of this variant in disease. Therefore, it has been classified as a Variant of Uncertain Significance.

Literature cited by the submitters: PubMed 17576681; PubMed 9536098.

NM_001040142.2(SCN2A):c.1034+4A>G

Gene: SCN2A (sodium voltage-gated channel alpha subunit 2; plus strand). Cytogenetic location: 2q24.3.
Variant type: single nucleotide variant.
Coding change: c.1034+4A>G on transcript NM_001040142.2 (MANE Select); 4 bases into the intron after coding-DNA position 1034, A replaced by G.
Molecular consequence: intron variant.
Genome position (GRCh38, 1-based): chr2:165,312,092, A>G. VCF-style: chr2-165312092-A-G. GRCh37 (hg19) VCF-style: chr2-166168602-A-G.
Other names: c.1034+4A>G (NM_001040143.2, NM_001371246.1, NM_001371247.1 and 1 more transcripts).
Identifiers: ClinVar variation 1419214 (VCV001419214.6), dbSNP rs1697466247, ClinGen allele CA1304531083.